The following is an entry in ClinVar:

ClinVar aggregate classification (germline): Likely benign. Review status: criteria provided, multiple submitters, no conflicts (2 of 4 stars). 3 submissions from 3 submitters: Likely benign (3). Last evaluated 2026-01-26.

Conditions:
Age related macular degeneration 1 (ARMD1). Also called: MACULOPATHY, AGE-RELATED, 1. Identifiers: MedGen C1864205, MONDO:0011285, OMIM 603075.

Allele frequency attached by ClinVar (database versions not stated): gnomAD exomes 0.00009 and 0.00023; ExAC 0.00032; 1000 Genomes Project 30x 0.00062; 1000 Genomes Project 0.00080; ESP Exome Variant Server 0.00092; gnomAD 0.00101 and 0.00111; TOPMed 0.00104.
gnomAD v4.1: 292 of 1,612,972 alleles (0.018%); highest among the groups gnomAD compares: African/African-American, 0.36%; no homozygotes.

Submissions (3):

Labcorp Genetics (formerly Invitae), Labcorp
Classification: Likely benign. Last evaluated: 2026-01-26. Review status: criteria provided, single submitter. Criteria: Invitae Variant Classification Sherloc (09022015). Collection method: clinical testing. Allele origin: germline.

Genome-Nilou Lab
Classification: Likely benign for Age related macular degeneration 1. Last evaluated: 2023-04-11. Review status: criteria provided, single submitter. Criteria: ACMG Guidelines, 2015. Collection method: clinical testing. Allele origin: germline. Affected: no.

Illumina Laboratory Services, Illumina
Classification: Likely benign for Age related macular degeneration 1. Last evaluated: 2018-01-12. Review status: criteria provided, single submitter. Criteria: ICSL Variant Classification Criteria 13 December 2019. Collection method: clinical testing. Allele origin: germline.
Comment: This variant was observed in the ICSL laboratory as part of a predisposition screen in an ostensibly healthy population. It had not been previously curated by ICSL or reported in the Human Gene Mutation Database (HGMD: prior to June 1st, 2018), and was therefore a candidate for classification through an automated scoring system. Utilizing variant allele frequency, disease prevalence and penetrance estimates, and inheritance mode, an automated score was calculated to assess if this variant is too frequent to cause the disease. Based on the score and internal cut-off values, a variant classified as likely benign is not then subjected to further curation. The score for this variant resulted in a classification of likely benign for this disease.

NM_031935.3(HMCN1):c.5356A>G (p.Asn1786Asp)

Gene: HMCN1 (hemicentin 1; plus strand). Cytogenetic location: 1q31.1.
Variant type: single nucleotide variant.
Coding change: c.5356A>G on transcript NM_031935.3 (MANE Select); coding-DNA position 5356, A replaced by G.
Protein change: p.Asn1786Asp; replaces asparagine 1786 with aspartic acid.
Molecular consequence: missense variant.
Genome position (GRCh38, 1-based): chr1:186,018,238, A>G. VCF-style: chr1-186018238-A-G. GRCh37 (hg19) VCF-style: chr1-185987370-A-G.
Other names: short protein forms N1786D.
Identifiers: ClinVar variation 873691 (VCV000873691.12), dbSNP rs147995526, ClinGen allele CA1292247.
Genomic context (GRCh38, chr1:186,018,238, plus strand): 5'-TATAGGTGGCTGAAGGATGGCCAGTTAATTGATGAAAGGGATGGATTCAAGATTTTATTA[A>G]ATGGACGCAAACTGGTTATTGCTCAGGCTCAAGTGTCAAACACAGGCCTTTATCGGTGCA-3'
Protein context (NP_114141.2, residues 1776-1796): DERDGFKILL[Asn1786Asp]GRKLVIAQAQ